The following is an entry in ClinVar:

NM_000543.5(SMPD1):c.1547A>G (p.His516Arg)

Gene: SMPD1 (sphingomyelin phosphodiesterase 1; plus strand). Cytogenetic location: 11p15.4.
Variant type: single nucleotide variant.
Coding change: c.1547A>G on transcript NM_000543.5 (MANE Select); coding-DNA position 1547, A replaced by G.
Protein change: p.His516Arg; replaces histidine 516 with arginine.
Molecular consequence: missense variant. On other transcripts: 3 prime UTR variant (1), non-coding transcript variant (2).
Genome position (GRCh38, 1-based): chr11:6,394,258, A>G. VCF-style: chr11-6394258-A-G. GRCh37 (hg19) VCF-style: chr11-6415488-A-G.
Other names: c.1544A>G, p.His515Arg (NM_001007593.3); c.*40A>G (NM_001318087.2); c.626A>G, p.His209Arg (NM_001318088.2); c.1415A>G, p.His472Arg (NM_001365135.2); short protein forms H472R, H516R, H209R, H515R.
Identifiers: ClinVar variation 663763 (VCV000663763.12), dbSNP rs754979734, ClinGen allele CA5852932.

ClinVar aggregate classification (germline): Conflicting classifications of pathogenicity. Review status: criteria provided, conflicting classifications (1 of 4 stars). 4 submissions from 4 submitters: Pathogenic (1); Likely pathogenic (2); Uncertain significance (1). Last evaluated 2025-11-18.

Conditions:
Niemann-Pick disease, type A. Also called: Infantile Neurovisceral ASMD (Niemann-Pick Disease Type A; NPD-A); SPHINGOMYELIN LIPIDOSIS; SPHINGOMYELINASE DEFICIENCY. Identifiers: Orphanet 77292, MedGen C0268242, MONDO:0009756, OMIM 257200. Disease mechanism: loss of function.
Niemann-Pick disease, type B. Also called: Chronic Visceral ASMD (Niemann-Pick Disease Type B; NPD-B). Identifiers: Orphanet 77293, MedGen C0268243, MONDO:0011871, OMIM 607616. Disease mechanism: loss of function.
SMPD1-related disorder. Also called: SMPD1-related condition.

Allele frequency attached by ClinVar (database versions not stated): ExAC 0.00002.

Submissions (4):

PreventionGenetics, part of Exact Sciences
Classification: Likely pathogenic for SMPD1-related condition. Last evaluated: 2025-11-18. Review status: criteria provided, single submitter. Criteria: ACMG Guidelines, 2015. Collection method: clinical testing. Allele origin: germline.
Comment: The SMPD1 c.1547A>G variant is predicted to result in the amino acid substitution p.His516Arg. This variant was reported in the compound heterozygous state with the causative p.Arg602His variant in an individual with Niemann-Pick disease, type B (Cerón-Rodríguez et al. 2019. PubMed ID: 31122880). This variant was also reported, along with the causative p.Arg602His variant, in a second individual with Niemann-Pick disease, type B (Hu et al. 2021. PubMed ID: 33675270). This variant is reported in 0.0087% of alleles in individuals of Latino descent in gnomAD and has conflicting interpretation ranging from uncertain to pathogenic in ClinVar (Variation ID: 663763). A different nucleotide substitution affecting the same amino acid (p.His516Gln) has been reported in a Niemann-Pick disease cohort (reported as H514Q, Simonaro et al. 2002. PubMed ID: 12369017). Taken together, the c.1547A>G (p.His516Arg) variant is interpreted as likely pathogenic.

Natera, Inc.
Classification: Likely pathogenic for Niemann-Pick Disease, Types A/B. Last evaluated: 2025-08-13. Review status: criteria provided, single submitter. Criteria: Natera Variant Classification Schema (03/2026). Collection method: clinical testing. Allele origin: germline.
Comment: The c.1547A>G variant in SMPD1 is a missense variant predicted to cause substitution of histidine to arginine at amino acid 516. This variant is rare in the general population with a frequency below the threshold expected for the associated phenotype(s). This variant has been observed in one or more individuals affected with the associated recessive disease, as either homozygous or compound heterozygous with a second variant (PMID: 31122880). This variant has been identified in one or more affected individual with a phenotype highly consistent with the associated gene (PMID: 31122880). Computational prediction algorithms indicate this variant is likely to affect gene or protein function. Given the available evidence, this variant is classified as Likely Pathogenic.

Labcorp Genetics (formerly Invitae), Labcorp
Classification: Pathogenic for Niemann-Pick disease, type B; Niemann-Pick disease, type A. Last evaluated: 2024-02-19. Review status: criteria provided, single submitter. Criteria: Invitae Variant Classification Sherloc (09022015). Collection method: clinical testing. Allele origin: germline.
Comment: This sequence change replaces histidine, which is basic and polar, with arginine, which is basic and polar, at codon 516 of the SMPD1 protein (p.His516Arg). This variant is present in population databases (rs754979734, gnomAD 0.009%). This missense change has been observed in individuals with acid sphingomyelinase deficiency (PMID: 31122880, 33675270; Invitae). ClinVar contains an entry for this variant (Variation ID: 663763). Advanced modeling of protein sequence and biophysical properties (such as structural, functional, and spatial information, amino acid conservation, physicochemical variation, residue mobility, and thermodynamic stability) performed at Invitae indicates that this missense variant is expected to disrupt SMPD1 protein function with a positive predictive value of 95%. For these reasons, this variant has been classified as Pathogenic.

GeneDx
Classification: Uncertain significance. Last evaluated: 2022-05-31. Review status: criteria provided, single submitter. Criteria: GeneDx Variant Classification Process June 2021. Collection method: clinical testing. Allele origin: germline. Affected: yes.
Comment: Not observed at significant frequency in large population cohorts (gnomAD); In silico analysis supports that this missense variant has a deleterious effect on protein structure/function; This variant is associated with the following publications: (PMID: 33675270, 31122880)

Literature cited by the submitters: PubMed 31122880 (cited by Natera, Inc. and Labcorp Genetics (formerly Invitae), Labcorp); PubMed 33675270 (cited by Labcorp Genetics (formerly Invitae), Labcorp).